The following is an entry in ClinVar:

NM_000350.3(ABCA4):c.3263C>G (p.Pro1088Arg)

Gene: ABCA4 (ATP binding cassette subfamily A member 4; minus strand). Cytogenetic location: 1p22.1.
Variant type: single nucleotide variant.
Coding change: c.3263C>G on transcript NM_000350.3 (MANE Select); coding-DNA position 3263, C replaced by G.
Protein change: p.Pro1088Arg; replaces proline 1088 with arginine.
Molecular consequence: missense variant.
Genome position (GRCh38, 1-based): chr1:94,042,826, G>C on the plus strand (C>G on the coding strand, the complement: ABCA4 is on the minus strand). VCF-style: chr1-94042826-G-C. GRCh37 (hg19) VCF-style: chr1-94508382-G-C.
Other names: c.3041C>G, p.Pro1014Arg (NM_001425324.1); short protein forms P1088R, P1014R.
Identifiers: ClinVar variation 1213975 (VCV001213975.10), dbSNP rs1660531525, ClinGen allele CA341292138.
Genomic context (GRCh38, chr1:94,042,826, plus strand): 5'-CGATACTTCAGGAGCAGATCCCAGATTGAGCGTCTCGAGTAAGGGTCCACCCCAGAGGTG[G>C]GTTCGTCCAGAATCACCACCTTGGCATCTCCCACAAAGGCAATGGCAACCGACAGCTTTC-3'
Protein context (NP_000341.2, residues 1078-1098): GDAKVVILDE[Pro1088Arg]TSGVDPYSRR

ClinVar aggregate classification (germline): Likely pathogenic. Review status: criteria provided, multiple submitters, no conflicts (2 of 4 stars). 2 submissions from 2 submitters: Likely pathogenic (2). Last evaluated 2021-05-31.

Conditions:
Severe early-childhood-onset retinal dystrophy (STGD1). Also called: Stargardt macular dystrophy; Juvenile onset macular degeneration; Stargardt disease 1; MACULAR DYSTROPHY WITH FLECKS, TYPE 1; STGD. Identifiers: Orphanet 364055, Orphanet 827, MedGen C1855465, MeSH D000080362, MONDO:0009549, OMIM 248200.

Submissions (2):

DBGen Ocular Genomics
Classification: Likely pathogenic for Severe early-childhood-onset retinal dystrophy. Last evaluated: 2021-05-31. Review status: criteria provided, single submitter. Criteria: ACMG Guidelines, 2015. Collection method: clinical testing. Allele origin: germline. Affected: yes. Observed: 1 variant allele.

Labcorp Genetics (formerly Invitae), Labcorp
Classification: Likely pathogenic. Last evaluated: 2021-04-17. Review status: criteria provided, single submitter. Criteria: Invitae Variant Classification Sherloc (09022015). Collection method: clinical testing. Allele origin: germline.
Comment: This variant disrupts the p.Pro1088 amino acid residue in ABCA4. Other variant(s) that disrupt this residue have been observed in individuals with ABCA4-related conditions (PMID: 31543898, Invitae), which suggests that this may be a clinically significant amino acid residue. This sequence change replaces proline with arginine at codon 1088 of the ABCA4 protein (p.Pro1088Arg). The proline residue is highly conserved and there is a moderate physicochemical difference between proline and arginine. This variant is not present in population databases (ExAC no frequency). This variant has been observed in individual(s) with Stargardt disease (Invitae). Advanced modeling of protein sequence and biophysical properties (such as structural, functional, and spatial information, amino acid conservation, physicochemical variation, residue mobility, and thermodynamic stability) performed at Invitae indicates that this missense variant is expected to disrupt ABCA4 protein function. In summary, the currently available evidence indicates that the variant is pathogenic, but additional data are needed to prove that conclusively. Therefore, this variant has been classified as Likely Pathogenic.

Literature cited by the submitters: PubMed 31543898 (cited by Labcorp Genetics (formerly Invitae), Labcorp).